The following is an entry in ClinVar:

NM_000155.4(GALT):c.532A>G (p.Met178Val)

Gene: GALT (galactose-1-phosphate uridylyltransferase; plus strand). Cytogenetic location: 9p13.3.
Variant type: single nucleotide variant.
Coding change: c.532A>G on transcript NM_000155.4 (MANE Select); coding-DNA position 532, A replaced by G.
Protein change: p.Met178Val; replaces methionine 178 with valine.
Molecular consequence: missense variant.
Genome position (GRCh38, 1-based): chr9:34,648,139, A>G. VCF-style: chr9-34648139-A-G. GRCh37 (hg19) VCF-style: chr9-34648136-A-G.
Other names: c.205A>G, p.Met69Val (NM_001258332.2); short protein forms M178V, M69V.
Identifiers: ClinVar variation 4715700 (VCV004715700.1).

ClinVar aggregate classification (germline): Pathogenic (1 of 4 stars; one submission).

Conditions:
Deficiency of UDPglucose-hexose-1-phosphate uridylyltransferase. Also called: GALT deficiency; Galactosemia, classic; Transferase Deficiency Galactosemia; GALACTOSEMIA I; GALACTOSE-1-PHOSPHATE URIDYLYLTRANSFERASE DEFICIENCY. Identifiers: Orphanet 352, Orphanet 79239, MedGen C0268151, MONDO:0009258, OMIM 230400.

Submission:

Labcorp Genetics (formerly Invitae), Labcorp
Classification: Pathogenic for Deficiency of UDPglucose-hexose-1-phosphate uridylyltransferase. Last evaluated: 2026-01-05. Review status: criteria provided, single submitter. Criteria: Invitae Variant Classification Sherloc (09022015). Collection method: clinical testing. Allele origin: germline.
Comment: This sequence change replaces methionine, which is neutral and non-polar, with valine, which is neutral and non-polar, at codon 178 of the GALT protein (p.Met178Val). This variant is not present in population databases (gnomAD no frequency). This missense change has been observed in individual(s) with galactosemia (internal data). In at least one individual the data is consistent with being in trans (on the opposite chromosome) from a pathogenic variant. Invitae Evidence Modeling of protein sequence and biophysical properties (such as structural, functional, and spatial information, amino acid conservation, physicochemical variation, residue mobility, and thermodynamic stability) indicates that this missense variant is expected to disrupt GALT protein function with a positive predictive value of 95%. This variant disrupts the p.Met178 amino acid residue in GALT. Other variant(s) that disrupt this residue have been determined to be pathogenic (PMID: 24045215, 31392114). This suggests that this residue is clinically significant, and that variants that disrupt this residue are likely to be disease-causing. For these reasons, this variant has been classified as Pathogenic.

Literature cited by the submitters: PubMed 24045215; PubMed 31392114.